The following is an entry in ClinVar:

ClinVar aggregate classification (germline): Likely benign (1 of 4 stars; one submission).

Allele frequency attached by ClinVar (database versions not stated): TOPMed below 0.00001.

Submission:

CeGaT Center for Human Genetics Tuebingen
Classification: Likely benign. Last evaluated: 2024-03-01. Review status: criteria provided, single submitter. Criteria: CeGaT Center For Human Genetics Tuebingen Variant Classification Criteria Version 2. Collection method: clinical testing. Allele origin: germline. Affected: yes. Observed: 1 variant allele.
Comment: MAGEL2: PM2:Supporting, BP4, BP7

NM_019066.5(MAGEL2):c.96C>G (p.Ala32=)

Gene: MAGEL2 (MAGE family member L2; minus strand). Cytogenetic location: 15q11.2.
Variant type: single nucleotide variant.
Coding change: c.96C>G on transcript NM_019066.5 (MANE Select); coding-DNA position 96, C replaced by G.
Protein change: p.Ala32=; no amino-acid change (alanine 32 retained).
Molecular consequence: synonymous variant.
Genome position (GRCh38, 1-based): chr15:23,647,647, G>C on the plus strand (C>G on the coding strand, the complement: MAGEL2 is on the minus strand). VCF-style: chr15-23647647-G-C. GRCh37 (hg19) VCF-style: chr15-23892794-G-C.
Identifiers: ClinVar variation 3067657 (VCV003067657.21), dbSNP rs1233026259, ClinGen allele CA711342503.